The following is an entry in ClinVar:

ClinVar aggregate classification (germline): Uncertain significance (1 of 4 stars; one submission).

gnomAD v4.1: 2 of 1,613,894 alleles (0.00012%); highest among the groups gnomAD compares: Non-Finnish European, 0.00017%; no homozygotes.

Submission:

Athena Diagnostics
Classification: Uncertain significance. Last evaluated: 2024-07-16. Review status: criteria provided, single submitter. Criteria: Athena Diagnostics Criteria. Collection method: clinical testing. Allele origin: unknown.
Comment: Available data are insufficient to determine the clinical significance of the variant at this time. The frequency of this variant in the general population is uninformative in assessment of its pathogenicity. Polyphen and MutationTaster predict this amino acid change may be benign. Greater than 90% of NOTCH3 pathogenic variants associated with CADASIL involve the gain or loss of a cysteine residue within the epidermal growth factor (EGF)-like repeat domain (PMID: 32457593, 20301673).

NM_000435.3(NOTCH3):c.2450C>G (p.Pro817Arg)

Gene: NOTCH3 (notch receptor 3; minus strand). Cytogenetic location: 19p13.12.
Variant type: single nucleotide variant.
Coding change: c.2450C>G on transcript NM_000435.3 (MANE Select); coding-DNA position 2450, C replaced by G.
Protein change: p.Pro817Arg; replaces proline 817 with arginine.
Molecular consequence: missense variant.
Genome position (GRCh38, 1-based): chr19:15,184,411, G>C on the plus strand (C>G on the coding strand, the complement: NOTCH3 is on the minus strand). VCF-style: chr19-15184411-G-C. GRCh37 (hg19) VCF-style: chr19-15295222-G-C.
Other names: short protein forms P817R.
Identifiers: ClinVar variation 3571840 (VCV003571840.1).